The following is an entry in ClinVar:

ClinVar aggregate classification (germline): Uncertain significance (1 of 4 stars; one submission).

Allele frequency attached by ClinVar (database versions not stated): TOPMed below 0.00001; gnomAD exomes 0.00001.
gnomAD v4.1: 1 of 1,112,764 alleles (0.00009%); highest among the groups gnomAD compares: Admixed American, 0.0051%; no homozygotes.

Submission:

Labcorp Genetics (formerly Invitae), Labcorp
Classification: Uncertain significance. Last evaluated: 2022-11-07. Review status: criteria provided, single submitter. Criteria: Invitae Variant Classification Sherloc (09022015). Collection method: clinical testing. Allele origin: germline.
Comment: In summary, the available evidence is currently insufficient to determine the role of this variant in disease. Therefore, it has been classified as a Variant of Uncertain Significance. Algorithms developed to predict the effect of missense changes on protein structure and function output the following: SIFT: "Tolerated"; PolyPhen-2: "Benign"; Align-GVGD: "Class C0". The arginine amino acid residue is found in multiple mammalian species, which suggests that this missense change does not adversely affect protein function. This variant has not been reported in the literature in individuals affected with KL-related conditions. The frequency data for this variant in the population databases is considered unreliable, as metrics indicate insufficient coverage at this position in the gnomAD database. This sequence change replaces proline, which is neutral and non-polar, with arginine, which is basic and polar, at codon 13 of the KL protein (p.Pro13Arg).

NM_004795.4(KL):c.38C>G (p.Pro13Arg)

Gene: KL (klotho; plus strand). Cytogenetic location: 13q13.1.
Variant type: single nucleotide variant.
Coding change: c.38C>G on transcript NM_004795.4 (MANE Select); coding-DNA position 38, C replaced by G.
Protein change: p.Pro13Arg; replaces proline 13 with arginine.
Molecular consequence: missense variant.
Genome position (GRCh38, 1-based): chr13:33,016,478, C>G. VCF-style: chr13-33016478-C-G. GRCh37 (hg19) VCF-style: chr13-33590616-C-G.
Other names: short protein forms P13R.
Identifiers: ClinVar variation 2832592 (VCV002832592.3), dbSNP rs1870331223, ClinGen allele CA387779822.
Genomic context (GRCh38, chr13:33,016,478, plus strand): 5'-CCGGAGCCTGGCTCCCGCGCAGCATGCCCGCCAGCGCCCCGCCGCGCCGCCCGCGGCCGC[C>G]GCCGCCGTCGCTGTCGCTGCTGCTGGTGCTGCTGGGCCTGGGCGGCCGCCGCCTGCGTGC-3'
Protein context (NP_004786.2, residues 3-23): ASAPPRRPRP[Pro13Arg]PPSLSLLLVL